The following is an entry in ClinVar:

NM_000152.5(GAA):c.1198G>A (p.Val400Ile)

Gene: GAA (alpha glucosidase; plus strand). Cytogenetic location: 17q25.3.
Variant type: single nucleotide variant.
Coding change: c.1198G>A on transcript NM_000152.5 (MANE Select); coding-DNA position 1198, G replaced by A.
Protein change: p.Val400Ile; replaces valine 400 with isoleucine.
Molecular consequence: missense variant.
Genome position (GRCh38, 1-based): chr17:80,108,700, G>A. VCF-style: chr17-80108700-G-A. GRCh37 (hg19) VCF-style: chr17-78082499-G-A.
Other names: p.Val400Ile; c.1198G>A (LRG_673t1); c.1198G>A, p.Val400Ile (NM_001079803.3, NM_001079804.3); short protein forms V400I.
Identifiers: ClinVar variation 566063 (VCV000566063.40), dbSNP rs758334520, ClinGen allele CA8815232.
Genomic context (GRCh38, chr17:80,108,700, plus strand): 5'-GCTGGCCGGGACGCGTCTCCTCAGGCCCCAGCAGACGGTCCCGTGTTGTGGCTGCAGGAC[G>A]TCCAGTGGAACGACCTGGACTACATGGACTCCCGGAGGGACTTCACGTTCAACAAGGATG-3'
Protein context (NP_000143.2, residues 390-410): NMTRAHFPLD[Val400Ile]QWNDLDYMDS

ClinVar aggregate classification (germline): Uncertain significance. Review status: criteria provided, multiple submitters, no conflicts (2 of 4 stars). 10 submissions from 10 submitters: Uncertain significance (9). 1 of the submissions does not count toward it. Last evaluated 2026-07-01.

Conditions:
Cardiovascular phenotype. Identifiers: MedGen CN230736.
Glycogen storage disease, type II (IOPD). Also called: Pompe Disease; CARDIOMEGALIA GLYCOGENICA DIFFUSA; GSD II; GLYCOGENOSIS, GENERALIZED, CARDIAC FORM; Glycogen storage disease type 2; Acid maltase deficiency disease. Identifiers: Orphanet 365, MedGen C0017921, MONDO:0009290, OMIM 232300.

Allele frequency attached by ClinVar (database versions not stated): gnomAD exomes 0.00003 and 0.00005; gnomAD 0.00004; TOPMed 0.00006; ExAC 0.00007.
gnomAD v4.1: 60 of 1,612,592 alleles (0.0037%); highest among the groups gnomAD compares: Admixed American, 0.0067%; no homozygotes.

Submissions (10):

Genomenon, Inc
Classification: Uncertain significance for Glycogen storage disease, type II. Last evaluated: 2026-07-01. Review status: criteria provided, single submitter. Criteria: Genomenon Sequence Variant Interpretation Standards - Updated. Collection method: curation. Allele origin: germline.
Comment: GAA p.Val400Ile (c.1198G>A) is a missense variant that changes the amino acid at codon 400 from Valine to Isoleucine. This variant has been reported in the compound heterozygous and/or homozygous state in an individual without a confirmed diagnosis of Pompe disease (PMID:37507255;37087815). It is absent or not present at a significant frequency in gnomAD. In conclusion, we classify GAA p.Val400Ile (c.1198G>A) as a variant of uncertain significance.

Labcorp Genetics (formerly Invitae), Labcorp
Classification: Uncertain significance for Glycogen storage disease, type II. Last evaluated: 2026-01-06. Review status: criteria provided, single submitter. Criteria: Invitae Variant Classification Sherloc (09022015). Collection method: clinical testing. Allele origin: germline.
Comment: This sequence change replaces valine, which is neutral and non-polar, with isoleucine, which is neutral and non-polar, at codon 400 of the GAA protein (p.Val400Ile). This variant is present in population databases (rs758334520, gnomAD 0.01%). This missense change has been observed in individual(s) with a positive newborn screening result for GAA-related disease (PMID: 37507255). ClinVar contains an entry for this variant (Variation ID: 566063). Invitae Evidence Modeling of protein sequence and biophysical properties (such as structural, functional, and spatial information, amino acid conservation, physicochemical variation, residue mobility, and thermodynamic stability) has been performed for this missense variant. However, the output from this modeling did not meet the statistical confidence thresholds required to predict the impact of this variant on GAA protein function. In summary, the available evidence is currently insufficient to determine the role of this variant in disease. Therefore, it has been classified as a Variant of Uncertain Significance.

Mayo Clinic Laboratories, Mayo Clinic
Classification: Uncertain significance. Last evaluated: 2025-10-17. Review status: criteria provided, single submitter. Criteria: ACMG Guidelines, 2015. Collection method: clinical testing. Allele origin: germline. Observed: 1 variant allele.
Comment: PM2_supporting

CeGaT Center for Human Genetics Tuebingen
Classification: Uncertain significance. Last evaluated: 2023-08-01. Review status: criteria provided, single submitter. Criteria: CeGaT Center For Human Genetics Tuebingen Variant Classification Criteria Version 2. Collection method: clinical testing. Allele origin: germline. Affected: yes. Observed: 1 variant allele.
Comment: GAA: PM2

GeneDx
Classification: Uncertain significance. Last evaluated: 2023-04-06. Review status: criteria provided, single submitter. Criteria: GeneDx Variant Classification Process June 2021. Collection method: clinical testing. Allele origin: germline. Affected: yes.
Comment: Has not been previously reported in peer-reviewed literature as pathogenic or benign to our knowledge. However, in an abstract by Dib et al. (2014), p.(V400I) was reported in a mother and daughter with a distal myopathy presentation, however a second GAA variant was not reported.; In silico analysis supports that this missense variant does not alter protein structure/function; This variant is associated with the following publications: (PMID: Dib_2014_Abstract)

Ambry Genetics
Classification: Uncertain significance for Cardiovascular phenotype. Last evaluated: 2023-03-01. Review status: criteria provided, single submitter. Criteria: Ambry Variant Classification Scheme 2023. Collection method: clinical testing. Allele origin: germline.
Comment: The p.V400I variant (also known as c.1198G>A), located in coding exon 7 of the GAA gene, results from a G to A substitution at nucleotide position 1198. The valine at codon 400 is replaced by isoleucine, an amino acid with highly similar properties. This amino acid position is well conserved in available vertebrate species. In addition, the in silico prediction for this alteration is inconclusive. Since supporting evidence is limited at this time, the clinical significance of this alteration remains unclear.

Department of Pathology and Laboratory Medicine, Sinai Health System
Classification: Uncertain significance for Glycogen storage disease, type II. Last evaluated: 2022-02-22. Review status: criteria provided, single submitter. Criteria: ACMG Guidelines, 2015. Collection method: research. Allele origin: germline.

Genome-Nilou Lab
Classification: Uncertain significance for Glycogen storage disease, type II. Last evaluated: 2021-09-05. Review status: criteria provided, single submitter. Criteria: ACMG Guidelines, 2015. Collection method: clinical testing. Allele origin: germline. Affected: no.

Revvity Omics, Revvity
Classification: Uncertain significance. Last evaluated: 2020-11-12. Review status: criteria provided, single submitter. Criteria: ACMG Guidelines, 2015. Collection method: clinical testing. Allele origin: germline.

Natera, Inc.
Classification: Uncertain significance for Glycogen storage disease type II. Last evaluated: 2020-01-24. Review status: no assertion criteria provided. Collection method: clinical testing. Allele origin: germline. Not counted in ClinVar's aggregate classification.

Literature cited by the submitters: PubMed 37507255 (cited by 3 submitters); PubMed 37087815 (cited by Genomenon, Inc and Mayo Clinic Laboratories, Mayo Clinic).